The following is an entry in ClinVar:

ClinVar aggregate classification (germline): Likely benign. Review status: reviewed by expert panel (3 of 4 stars). 4 submissions from 4 submitters: Likely benign (1). 3 of the submissions do not count toward it. Last evaluated 2017-06-29.

Conditions:
Hereditary breast ovarian cancer syndrome. Also called: Hereditary breast and ovarian cancer; Hereditary breast and ovarian cancer syndrome; Breast and ovarian cancer; Hereditary breast and ovarian cancer syndrome (HBOC); Hereditary breast and/or ovarian cancer syndrome; BRCA1- and BRCA2-Associated Hereditary Breast and Ovarian Cancer. Identifiers: Orphanet 145, MedGen C0677776, MeSH D061325, MONDO:0003582. Disease mechanism: loss of function.
Breast-ovarian cancer, familial, susceptibility to, 2 (BROVCA2). Also called: BRCA2 Hereditary Breast and Ovarian Cancer. Identifiers: Orphanet 145, MedGen C2675520, MONDO:0012933, OMIM 612555. Disease mechanism: loss of function.
Hereditary cancer-predisposing syndrome. Also called: Hereditary Cancer Syndrome; Neoplastic Syndromes, Hereditary; Tumor predisposition; Hereditary neoplastic syndrome. Identifiers: Orphanet 140162, MedGen C0027672, MeSH D009386, MONDO:0015356.

Allele frequency attached by ClinVar (database versions not stated): ExAC 0.00001; gnomAD exomes 0.00001.
gnomAD v4.1: 3 of 1,614,158 alleles (0.00019%); highest among the groups gnomAD compares: Non-Finnish European, 0.00025%; no homozygotes.

Submissions (4):

Evidence-based Network for the Interpretation of Germline Mutant Alleles (ENIGMA)
Classification: Likely benign for Breast-ovarian cancer, familial, susceptibility to, 2. Last evaluated: 2017-06-29. Review status: reviewed by expert panel. Criteria: ENIGMA BRCA1/2 Classification Criteria (2017-06-29). Collection method: curation. Allele origin: germline.
Comment: Synonymous substitution variant, with low bioinformatic likelihood to result in a splicing aberration (Splicing prior probability 0.02).

Labcorp Genetics (formerly Invitae), Labcorp
Classification: Likely benign for Hereditary breast ovarian cancer syndrome. Last evaluated: 2024-09-01. Review status: criteria provided, single submitter. Criteria: Invitae Variant Classification Sherloc (09022015). Collection method: clinical testing. Allele origin: germline. Not counted in ClinVar's aggregate classification.

Color Diagnostics, LLC DBA Color Health
Classification: Likely benign for Hereditary cancer-predisposing syndrome. Last evaluated: 2019-01-14. Review status: criteria provided, single submitter. Criteria: ACMG Guidelines, 2015. Collection method: clinical testing. Allele origin: germline. Not counted in ClinVar's aggregate classification.

Ambry Genetics
Classification: Likely benign for Hereditary cancer-predisposing syndrome. Last evaluated: 2014-10-17. Review status: criteria provided, single submitter. Criteria: Ambry Variant Classification Scheme 2023. Collection method: clinical testing. Allele origin: germline. Not counted in ClinVar's aggregate classification.

NM_000059.4(BRCA2):c.9351T>C (p.His3117=)

Gene: BRCA2 (BRCA2 DNA repair associated; plus strand). Cytogenetic location: 13q13.1.
Variant type: single nucleotide variant.
Coding change: c.9351T>C on transcript NM_000059.4 (MANE Select); coding-DNA position 9351, T replaced by C.
Protein change: p.His3117=; no amino-acid change (histidine 3117 retained).
Molecular consequence: synonymous variant.
Genome position (GRCh38, 1-based): chr13:32,394,783, T>C. VCF-style: chr13-32394783-T-C. GRCh37 (hg19) VCF-style: chr13-32968920-T-C.
Identifiers: ClinVar variation 186524 (VCV000186524.17), dbSNP rs764595220, ClinGen allele CA026110.
Genomic context (GRCh38, chr13:32,394,783, plus strand): 5'-TTACAATTTACTGGCAATAAAGTTTTGGATAGACCTTAATGAGGACATTATTAAGCCTCA[T>C]ATGTTAATTGCTGCAAGCAACCTCCAGTGGCGACCAGAATCCAAATCAGGCCTTCTTACT-3'
Protein context (NP_000050.3, residues 3107-3127): IDLNEDIIKP[His3117=]MLIAASNLQW